The following is an entry in ClinVar:

NM_002734.5(PRKAR1A):c.-49G>T

Gene: PRKAR1A (protein kinase cAMP-dependent type I regulatory subunit alpha; plus strand). Cytogenetic location: 17q24.2.
Variant type: single nucleotide variant.
Coding change: c.-49G>T on transcript NM_002734.5 (MANE Select); 49 bases upstream of the start codon, G replaced by T.
Molecular consequence: 5 prime UTR variant. On other transcripts: intron variant (3).
Genome position (GRCh38, 1-based): chr17:68,512,506, G>T. VCF-style: chr17-68512506-G-T. GRCh37 (hg19) VCF-style: chr17-66508647-G-T.
Other names: c.-182G>T (NM_001276289.2); c.-80G>T (NM_212472.2); c.-6-2888G>T (NM_001278433.2); c.-140+364G>T (NM_001369389.1); c.-7+364G>T (NM_212471.3).
Identifiers: ClinVar variation 386125 (VCV000386125.1), dbSNP rs1024932138, ClinGen allele CA16608627.

ClinVar aggregate classification (germline): Likely benign (1 of 4 stars; one submission).

Allele frequency attached by ClinVar (database versions not stated): gnomAD 0.00014 and 0.00015; TOPMed 0.00017; gnomAD exomes 0.00106.

Submission:

GeneDx
Classification: Likely benign. Last evaluated: 2017-05-26. Review status: criteria provided, single submitter. Criteria: GeneDx Variant Classification (06012015). Collection method: clinical testing. Allele origin: germline. Affected: yes.
Comment: This variant is considered likely benign or benign based on one or more of the following criteria: it is a conservative change, it occurs at a poorly conserved position in the protein, it is predicted to be benign by multiple in silico algorithms, and/or has population frequency not consistent with disease.